The following is an entry in ClinVar:

ClinVar aggregate classification (germline): Likely pathogenic. Review status: criteria provided, multiple submitters, no conflicts (2 of 4 stars). 2 submissions from 2 submitters: Likely pathogenic (2). Last evaluated 2022-11-24.

Conditions:
Autosomal recessive osteopetrosis 1. Also called: TCIRG1-Related Osteopetrosis; ALBERS-SCHONBERG DISEASE, AUTOSOMAL RECESSIVE; TCIRG1-Related Autosomal Recessive Osteopetrosis. Identifiers: Orphanet 667, MedGen C1850127, MONDO:0009815, OMIM 259700.

Allele frequency attached by ClinVar (database versions not stated): gnomAD exomes below 0.00001.
gnomAD v4.1: 1 of 1,600,478 alleles (0.000062%); highest among the groups gnomAD compares: Non-Finnish European, 0.000085%; no homozygotes.

Submissions (2):

Labcorp Genetics (formerly Invitae), Labcorp
Classification: Likely pathogenic. Last evaluated: 2022-11-24. Review status: criteria provided, single submitter. Criteria: Invitae Variant Classification Sherloc (09022015). Collection method: clinical testing. Allele origin: germline.
Comment: In summary, the currently available evidence indicates that the variant is pathogenic, but additional data are needed to prove that conclusively. Therefore, this variant has been classified as Likely Pathogenic. Algorithms developed to predict the effect of sequence changes on RNA splicing suggest that this variant may disrupt the consensus splice site. ClinVar contains an entry for this variant (Variation ID: 1518803). This variant has not been reported in the literature in individuals affected with TCIRG1-related conditions. This variant is not present in population databases (gnomAD no frequency). This sequence change affects an acceptor splice site in intron 15 of the TCIRG1 gene. It is expected to disrupt RNA splicing. Variants that disrupt the donor or acceptor splice site typically lead to a loss of protein function (PMID: 16199547), and loss-of-function variants in TCIRG1 are known to be pathogenic (PMID: 10888887, 10942435, 11532986, 19448635).

Baylor Genetics
Classification: Likely pathogenic for Autosomal recessive osteopetrosis 1. Last evaluated: 2022-09-27. Review status: criteria provided, single submitter. Criteria: ACMG Guidelines, 2015. Collection method: clinical testing. Allele origin: unknown.

Literature cited by the submitters: PubMed 16199547 (cited by Labcorp Genetics (formerly Invitae), Labcorp); PubMed 10888887 (cited by Labcorp Genetics (formerly Invitae), Labcorp); PubMed 10942435 (cited by Labcorp Genetics (formerly Invitae), Labcorp); PubMed 11532986 (cited by Labcorp Genetics (formerly Invitae), Labcorp); PubMed 19448635 (cited by Labcorp Genetics (formerly Invitae), Labcorp).

NM_006019.4(TCIRG1):c.1888-1G>T

Gene: TCIRG1 (T cell immune regulator 1, ATPase H+ transporting V0 subunit a3; plus strand). Cytogenetic location: 11q13.2.
Variant type: single nucleotide variant.
Coding change: c.1888-1G>T on transcript NM_006019.4 (MANE Select); the canonical splice acceptor site of the intron before coding-DNA position 1888, G replaced by T.
Molecular consequence: splice acceptor variant.
Genome position (GRCh38, 1-based): chr11:68,049,662, G>T. VCF-style: chr11-68049662-G-T. GRCh37 (hg19) VCF-style: chr11-67817129-G-T.
Other names: c.994-1G>T (NM_001351059.2); c.1240-1G>T (NM_006053.4).
Identifiers: ClinVar variation 1518803 (VCV001518803.9), dbSNP rs2134462513, ClinGen allele CA381588663.
Genomic context (GRCh38, chr11:68,049,662, plus strand): 5'-TCAGGTTCCTTTGCAGGTGTGCACAGCAGGGACGCCCTGACTCTCGCCCTCTCCCTGGCA[G>T]GAGGTGGTCCAGGCCACGCTGGTGGTCCTGGCCTTGGCCATGGTGCCCATCCTGCTGCTT-3'